The following is an entry in ClinVar:

NM_000219.6(KCNE1):c.168C>G (p.Phe56Leu)

Gene: KCNE1 (potassium voltage-gated channel subfamily E regulatory subunit 1; minus strand). Cytogenetic location: 21q22.12.
Variant type: single nucleotide variant.
Coding change: c.168C>G on transcript NM_000219.6 (MANE Select); coding-DNA position 168, C replaced by G.
Protein change: p.Phe56Leu; replaces phenylalanine 56 with leucine.
Molecular consequence: missense variant.
Genome position (GRCh38, 1-based): chr21:34,449,467, G>C on the plus strand (C>G on the coding strand, the complement: KCNE1 is on the minus strand). VCF-style: chr21-34449467-G-C. GRCh37 (hg19) VCF-style: chr21-35821765-G-C.
Other names: c.168C>G, p.Phe56Leu (NM_001127668.4, NM_001127669.4, NM_001127670.4 and 4 more transcripts); short protein forms F56L.
Identifiers: ClinVar variation 3374228 (VCV003374228.2).
Genomic context (GRCh38, chr21:34,449,467, plus strand): 5'-GTCGTTCGAGTGCTCCAGCTTCTTGGAGCGGATGTAGCTCAGCATGATGCCCAGGGTGAA[G>C]AAGCCGAAGAATCCCAGTACCATGAGGACGTAGAGGGCCTCCAGCTTGCCGTCACTGCTG-3'
Protein context (NP_000210.2, residues 46-66): YVLMVLGFFG[Phe56Leu]FTLGIMLSYI

Conditions:
Long QT syndrome 5 (LQT5). Identifiers: Orphanet 101016, Orphanet 768, MedGen C1867904, MONDO:0013372, OMIM 613695.

Submission:

Roden Lab, Vanderbilt University Medical Center
No classification provided (evidence only). Condition: Long QT syndrome 5. Review status: no classification provided. Collection method: in vitro. Allele origin: not applicable. Functional consequence: Effect on ion channel function.
ClinVar note: "not provided" was previously submitted as the classification for the variant. However, the classification appeared to be based only on an observation of functional data so it was converted to no classification on 2025-07-30.